The following is an entry in ClinVar:

NM_000275.3(OCA2):c.874T>C (p.Phe292Leu)

Gene: OCA2 (OCA2 melanosomal transmembrane protein; minus strand). Cytogenetic location: 15q13.1.
Variant type: single nucleotide variant.
Coding change: c.874T>C on transcript NM_000275.3 (MANE Select); coding-DNA position 874, T replaced by C.
Protein change: p.Phe292Leu; replaces phenylalanine 292 with leucine.
Molecular consequence: missense variant.
Genome position (GRCh38, 1-based): chr15:28,016,120, A>G on the plus strand (T>C on the coding strand, the complement: OCA2 is on the minus strand). VCF-style: chr15-28016120-A-G. GRCh37 (hg19) VCF-style: chr15-28261266-A-G.
Other names: c.874T>C, p.Phe292Leu (NM_001300984.2); short protein forms F292L.
Identifiers: ClinVar variation 1305134 (VCV001305134.20), dbSNP rs745573222, ClinGen allele CA7439320.

ClinVar aggregate classification (germline): Conflicting classifications of pathogenicity. Review status: criteria provided, conflicting classifications (1 of 4 stars). 7 submissions from 7 submitters: Pathogenic (1); Likely pathogenic (3); Uncertain significance (2). 1 of the submissions does not count toward it. Last evaluated 2026-08-13.

Conditions:
OCA2-related disorder. Also called: OCA2-related condition.
Oculocutaneous albinism. Identifiers: Orphanet 55, MedGen C0078918, MONDO:0018910.
Tyrosinase-positive oculocutaneous albinism (OCA2). Also called: ALBINISM II; Albinism, oculocutaneous, type II; Oculocutaneous albinism type 2. Identifiers: Orphanet 79432, MedGen C0268495, MONDO:0008746, OMIM 203200.
SKIN/HAIR/EYE PIGMENTATION 1, BLUE/NONBLUE EYES (SHEP1). Also called: BROWN EYE COLOR 2; EYE COLOR 3; EYE COLOR, BLUE/NONBLUE; EYE COLOR, BROWN/BLUE; HAIR COLOR 3; SKIN/HAIR/EYE PIGMENTATION 1, BLOND/BROWN HAIR. Identifiers: MedGen C1856895, OMIM 227220.

Allele frequency attached by ClinVar (database versions not stated): gnomAD exomes below 0.00001 and 0.00001; ExAC 0.00001; TOPMed 0.00001; gnomAD 0.00002.
gnomAD v4.1: 9 of 1,613,992 alleles (0.00056%); highest among the groups gnomAD compares: East Asian, 0.0089%; no homozygotes.

Submissions (7):

GeneDx
Classification: Uncertain significance. Last evaluated: 2026-08-13. Review status: criteria provided, single submitter. Criteria: GeneDx Variant Classification Process June 2021. Collection method: clinical testing. Allele origin: germline.
Comment: In silico analysis supports that this missense variant has a deleterious effect on protein structure/function; This variant is associated with the following publications: (PMID: 41905947)

Labcorp Genetics (formerly Invitae), Labcorp
Classification: Pathogenic. Last evaluated: 2025-11-09. Review status: criteria provided, single submitter. Criteria: Invitae Variant Classification Sherloc (09022015). Collection method: clinical testing. Allele origin: germline.
Comment: This sequence change replaces phenylalanine, which is neutral and non-polar, with leucine, which is neutral and non-polar, at codon 292 of the OCA2 protein (p.Phe292Leu). This variant is present in population databases (rs745573222, gnomAD 0.006%). This missense change has been observed in individual(s) with clinical features of oculocutaneous albinism (internal data). In at least one individual the data is consistent with being in trans (on the opposite chromosome) from a pathogenic variant. ClinVar contains an entry for this variant (Variation ID: 1305134). Invitae Evidence Modeling of protein sequence and biophysical properties (such as structural, functional, and spatial information, amino acid conservation, physicochemical variation, residue mobility, and thermodynamic stability) indicates that this missense variant is not expected to disrupt OCA2 protein function with a negative predictive value of 80%. For these reasons, this variant has been classified as Pathogenic.

Women's Health and Genetics/Laboratory Corporation of America, LabCorp
Classification: Likely pathogenic for Oculocutaneous albinism. Last evaluated: 2025-08-29. Review status: criteria provided, single submitter. Criteria: LabCorp Variant Classification Summary - May 2015. Collection method: clinical testing. Allele origin: germline.
Comment: Variant summary: OCA2 c.874T>C (p.Phe292Leu) results in a non-conservative amino acid change in the encoded protein sequence. Algorithms developed to predict the effect of missense changes on protein structure and function all suggest that this variant is likely to be disruptive. The variant allele was found at a frequency of 8e-06 in 251496 control chromosomes. c.874T>C has been observed in individual(s) affected with Oculocutaneous Albinism (Internal data). These data indicate that the variant may be associated with disease. To our knowledge, no experimental evidence demonstrating an impact on protein function has been reported. ClinVar contains an entry for this variant (Variation ID: 1305134). Based on the evidence outlined above, the variant was classified as likely pathogenic.

Victorian Clinical Genetics Services, Murdoch Childrens Research Institute
Classification: Likely pathogenic for Tyrosinase-positive oculocutaneous albinism. Last evaluated: 2024-11-14. Review status: criteria provided, single submitter. Criteria: ACMG Guidelines, 2015. Collection method: clinical testing. Allele origin: germline. Affected: yes.
Comment: This variant is classified as Likely pathogenic. Evidence in support of pathogenic classification: Variant is present in gnomAD (v4) <0.01 for a recessive condition (9 heterozygotes, 0 homozygotes); This variant has moderate previous evidence of pathogenicity in unrelated individuals. This variant has been classified once as pathogenic, once as likely pathogenic, and twice as a VUS in ClinVar by clinical laboratories. Personal correspondence confirmed the variant was observed in two unrelated individuals with suspected oculocutaneous albinism and also in an individual with global developmental delay and autism; Strong phenotype match for this individual. Additional information: Variant is predicted to result in a missense amino acid change from phenylalanine to leucine; This variant is heterozygous; This gene is associated with autosomal recessive disease; No published segregation evidence has been identified for this variant; No published functional evidence has been identified for this variant; No comparable missense variants have previous evidence for pathogenicity; Variant is not located in an established domain, motif, hotspot or informative constraint region; Missense variant with an inconclusive in silico prediction and high conservation; Loss of function is a known mechanism of disease in this gene and is associated with oculocutaneous albinism, type II (MIM#203200); Variants in this gene are known to have variable expressivity (PMID: 24518832, OMIM); Inheritance information for this variant is not currently available in this individual.

Fulgent Genetics
Classification: Likely pathogenic for Tyrosinase-positive oculocutaneous albinism; SKIN/HAIR/EYE PIGMENTATION 1, BLUE/NONBLUE EYES. Last evaluated: 2024-06-18. Review status: criteria provided, single submitter. Criteria: ACMG Guidelines, 2015. Collection method: clinical testing. Allele origin: germline.

Blueprint Genetics
Classification: Uncertain significance. Last evaluated: 2023-08-09. Review status: criteria provided, single submitter. Criteria: ACMG Guidelines, 2015. Collection method: clinical testing. Allele origin: germline.

PreventionGenetics, part of Exact Sciences
Classification: Likely pathogenic for OCA2-related condition. Last evaluated: 2024-06-27. Review status: no assertion criteria provided. Collection method: clinical testing. Allele origin: germline. Not counted in ClinVar's aggregate classification.
Comment: The OCA2 c.874T>C variant is predicted to result in the amino acid substitution p.Phe292Leu. To our knowledge, this variant has not been reported in the literature. Here, at PreventionGenetics, we have detected this variant in the homozygous state in multiple individuals and in the compound heterozygous state along with a pathogenic variant in an individual, all with oculocutaneous albinism (internal data). This variant is reported in 0.0056% of alleles in individuals of Latino descent in gnomAD. Given the evidence, we interpret c.874T>C (p.Phe292Leu) as likely pathogenic.

Literature cited by the submitters: PubMed 24518832 (cited by Victorian Clinical Genetics Services, Murdoch Childrens Research Institute).